The following is an entry in ClinVar:

ClinVar aggregate classification (germline): Benign/Likely benign. Review status: criteria provided, multiple submitters, no conflicts (2 of 4 stars). 5 submissions from 5 submitters: Benign (2); Likely benign (2). 1 of the submissions does not count toward it. Last evaluated 2025-11-08.

Conditions:
COL5A2-related disorder. Also called: COL5A2-related condition.
Ehlers-Danlos syndrome, classic type, 1 (EDSCL1). Also called: Ehlers-Danlos Syndrome, Classic Type, COL5A1-Related; EHLERS-DANLOS SYNDROME, GRAVIS TYPE; EHLERS-DANLOS SYNDROME, SEVERE CLASSIC TYPE; Ehlers-Danlos syndrome, type 1; EDS I. Identifiers: MedGen C0268335, MONDO:0019567, OMIM 130000.
Familial thoracic aortic aneurysm and aortic dissection (TAAD). Also called: Thoracic aortic aneurysms and dissections. Identifiers: Orphanet 91387, MedGen C4707243, MONDO:0019625.

Allele frequency attached by ClinVar (database versions not stated): TOPMed 0.00011; ExAC 0.00029; gnomAD 0.00002.
gnomAD v4.1: 64 of 1,610,188 alleles (0.004%); highest among the groups gnomAD compares: Admixed American, 0.089%; no homozygotes.

Submissions (5):

Labcorp Genetics (formerly Invitae), Labcorp
Classification: Benign for Ehlers-Danlos syndrome, classic type, 1. Last evaluated: 2025-11-08. Review status: criteria provided, single submitter. Criteria: Invitae Variant Classification Sherloc (09022015). Collection method: clinical testing. Allele origin: germline.

Women's Health and Genetics/Laboratory Corporation of America, LabCorp
Classification: Benign. Last evaluated: 2025-10-21. Review status: criteria provided, single submitter. Criteria: LabCorp Variant Classification Summary - May 2015. Collection method: clinical testing. Allele origin: germline.

GeneDx
Classification: Likely benign. Last evaluated: 2017-02-13. Review status: criteria provided, single submitter. Criteria: GeneDx Variant Classification (06012015). Collection method: clinical testing. Allele origin: germline. Affected: yes.
Comment: This variant is considered likely benign or benign based on one or more of the following criteria: it is a conservative change, it occurs at a poorly conserved position in the protein, it is predicted to be benign by multiple in silico algorithms, and/or has population frequency not consistent with disease.

Ambry Genetics
Classification: Likely benign for Familial thoracic aortic aneurysm and aortic dissection. Last evaluated: 2015-12-01. Review status: criteria provided, single submitter. Criteria: Ambry Variant Classification Scheme 2023. Collection method: clinical testing. Allele origin: germline.

PreventionGenetics, part of Exact Sciences
Classification: Likely benign for COL5A2-related condition. Last evaluated: 2019-09-05. Review status: no assertion criteria provided. Collection method: clinical testing. Allele origin: germline. Not counted in ClinVar's aggregate classification.
Comment: This variant is classified as likely benign based on ACMG/AMP sequence variant interpretation guidelines (Richards et al. 2015 PMID: 25741868, with internal and published modifications).

NM_000393.5(COL5A2):c.750G>A (p.Pro250=)

Gene: COL5A2 (collagen type V alpha 2 chain; minus strand). Cytogenetic location: 2q32.2.
Variant type: single nucleotide variant.
Coding change: c.750G>A on transcript NM_000393.5 (MANE Select); coding-DNA position 750, G replaced by A.
Protein change: p.Pro250=; no amino-acid change (proline 250 retained).
Molecular consequence: synonymous variant.
Genome position (GRCh38, 1-based): chr2:189,085,208, C>T on the plus strand (G>A on the coding strand, the complement: COL5A2 is on the minus strand). VCF-style: chr2-189085208-C-T. GRCh37 (hg19) VCF-style: chr2-189949934-C-T.
Other names: c.750G>A (NM_000393.4).
Identifiers: ClinVar variation 237779 (VCV000237779.19), dbSNP rs751819198, ClinGen allele CA2022961.